The following is an entry in ClinVar:

ClinVar aggregate classification (germline): Uncertain significance (1 of 4 stars; one submission).

Allele frequency attached by ClinVar (database versions not stated): gnomAD exomes below 0.00001; ExAC 0.00001.
gnomAD v4.1: 1 of 1,614,240 alleles (0.000062%); highest among the groups gnomAD compares: Non-Finnish European, 0.000085%; no homozygotes.

Submission:

Labcorp Genetics (formerly Invitae), Labcorp
Classification: Uncertain significance. Last evaluated: 2024-06-17. Review status: criteria provided, single submitter. Criteria: Invitae Variant Classification Sherloc (09022015). Collection method: clinical testing. Allele origin: germline.
Comment: This sequence change replaces aspartic acid, which is acidic and polar, with asparagine, which is neutral and polar, at codon 304 of the MECR protein (p.Asp304Asn). This variant is present in population databases (rs761771473, gnomAD 0.0009%). This variant has not been reported in the literature in individuals affected with MECR-related conditions. ClinVar contains an entry for this variant (Variation ID: 2131444). Advanced modeling of protein sequence and biophysical properties (such as structural, functional, and spatial information, amino acid conservation, physicochemical variation, residue mobility, and thermodynamic stability) performed at Invitae indicates that this missense variant is not expected to disrupt MECR protein function with a negative predictive value of 80%. In summary, the available evidence is currently insufficient to determine the role of this variant in disease. Therefore, it has been classified as a Variant of Uncertain Significance.

NM_016011.5(MECR):c.910G>A (p.Asp304Asn)

Gene: MECR (mitochondrial trans-2-enoyl-CoA reductase; minus strand). Cytogenetic location: 1p35.3.
Variant type: single nucleotide variant.
Coding change: c.910G>A on transcript NM_016011.5 (MANE Select); coding-DNA position 910, G replaced by A.
Protein change: p.Asp304Asn; replaces aspartic acid 304 with asparagine.
Molecular consequence: missense variant. On other transcripts: non-coding transcript variant (4).
Genome position (GRCh38, 1-based): chr1:29,195,995, C>T on the plus strand (G>A on the coding strand, the complement: MECR is on the minus strand). VCF-style: chr1-29195995-C-T. GRCh37 (hg19) VCF-style: chr1-29522507-C-T.
Other names: c.682G>A, p.Asp228Asn (NM_001349713.2, NM_001349714.2, NM_001024732.4 and 2 more transcripts); c.1015G>A, p.Asp339Asn (NM_001349715.2); c.994G>A, p.Asp332Asn (NM_001349716.2); c.760G>A, p.Asp254Asn (NM_001349717.2); short protein forms D254N, D304N, D339N, D332N, D228N.
Identifiers: ClinVar variation 2131444 (VCV002131444.4), dbSNP rs761771473, ClinGen allele CA725576.
Genomic context (GRCh38, chr1:29,195,995, plus strand): 5'-ACTCACCTGGACTGTGATCCTTCTTCCACTGGGACAACCAAAAGCCTCGAAGTTTGAGAT[C>T]CTTAAAAATGAGCAGGCTCTGCAGACACAGGAAGGACATGCTGGGCTCTGAGGGCAAGAA-3'
Protein context (NP_057095.4, residues 294-314): VASVSLLIFK[Asp304Asn]LKLRGFWLSQ